The following is an entry in ClinVar:

NM_003041.4(SLC5A2):c.1665+13G>A

Gene: SLC5A2 (solute carrier family 5 member 2; plus strand). Cytogenetic location: 16p11.2.
Variant type: single nucleotide variant.
Coding change: c.1665+13G>A on transcript NM_003041.4 (MANE Select); 13 bases into the intron after coding-DNA position 1665, G replaced by A.
Molecular consequence: intron variant.
Genome position (GRCh38, 1-based): chr16:31,489,351, G>A. VCF-style: chr16-31489351-G-A. GRCh37 (hg19) VCF-style: chr16-31500672-G-A.
Identifiers: ClinVar variation 886717 (VCV000886717.7), dbSNP rs185753774, ClinGen allele CA8031258.
Genomic context (GRCh38, chr16:31,489,351, plus strand): 5'-CTCACCCTCACGGTCTCCCTGTGCACCGCGCCCATCCCCAGAAAGCACGTGAGTGGCCAG[G>A]TGCCCCAGGCAAGCACTGTGGGACACAGCACCTACCCTCTGCTTCCTGGAGTGCCCAGCT-3'

ClinVar aggregate classification (germline): Benign/Likely benign. Review status: criteria provided, multiple submitters, no conflicts (2 of 4 stars). 4 submissions from 4 submitters: Benign (1); Likely benign (3). Last evaluated 2024-11-26.

Conditions:
Familial renal glucosuria (GLYS). Also called: RENAL GLUCOSURIA, AUTOSOMAL DOMINANT; Familial renal glycosuria. Identifiers: Orphanet 69076, MedGen C3245525, MONDO:0009297, OMIM 233100.

Allele frequency attached by ClinVar (database versions not stated): 1000 Genomes Project 0.00180; ExAC 0.00282; gnomAD 0.00282 and 0.00285; TOPMed 0.00298; gnomAD exomes 0.00308 and 0.00437; ESP Exome Variant Server 0.00339.
gnomAD v4.1: 6,805 of 1,604,090 alleles (0.42%); highest among the groups gnomAD compares: Admixed American, 0.55%; 20 homozygotes.

Submissions (4):

Blueprint Genetics
Classification: Likely benign. Last evaluated: 2024-11-26. Review status: criteria provided, single submitter. Criteria: ACMG Guidelines, 2015. Collection method: clinical testing. Allele origin: germline.

Fulgent Genetics
Classification: Benign for Familial renal glucosuria. Last evaluated: 2021-08-19. Review status: criteria provided, single submitter. Criteria: ACMG Guidelines, 2015. Collection method: clinical testing. Allele origin: unknown.

Illumina Laboratory Services, Illumina
Classification: Likely benign for Familial renal glucosuria. Last evaluated: 2018-01-13. Review status: criteria provided, single submitter. Criteria: ICSL Variant Classification Criteria 13 December 2019. Collection method: clinical testing. Allele origin: germline.
Comment: This variant was observed in the ICSL laboratory as part of a predisposition screen in an ostensibly healthy population. It had not been previously curated by ICSL or reported in the Human Gene Mutation Database (HGMD: prior to June 1st, 2018), and was therefore a candidate for classification through an automated scoring system. Utilizing variant allele frequency, disease prevalence and penetrance estimates, and inheritance mode, an automated score was calculated to assess if this variant is too frequent to cause the disease. Based on the score and internal cut-off values, a variant classified as likely benign is not then subjected to further curation. The score for this variant resulted in a classification of likely benign for this disease.

Breakthrough Genomics
Classification: Likely benign. Review status: criteria provided, single submitter. Criteria: ACMG Guidelines, 2015. Collection method: not provided. Allele origin: germline. Inheritance: Autosomal dominant inheritance. Affected: yes.